The following is an entry in ClinVar:

ClinVar aggregate classification (germline): Uncertain significance (1 of 4 stars; one submission).

Allele frequency attached by ClinVar (database versions not stated): gnomAD exomes below 0.00001 and 0.00001; gnomAD 0.00001.
gnomAD v4.1: 19 of 1,613,934 alleles (0.0012%); highest among the groups gnomAD compares: Non-Finnish European, 0.0015%; no homozygotes.

Submission:

Labcorp Genetics (formerly Invitae), Labcorp
Classification: Uncertain significance. Last evaluated: 2023-08-17. Review status: criteria provided, single submitter. Criteria: Invitae Variant Classification Sherloc (09022015). Collection method: clinical testing. Allele origin: germline.
Comment: In summary, the available evidence is currently insufficient to determine the role of this variant in disease. Therefore, it has been classified as a Variant of Uncertain Significance. Advanced modeling of protein sequence and biophysical properties (such as structural, functional, and spatial information, amino acid conservation, physicochemical variation, residue mobility, and thermodynamic stability) performed at Invitae indicates that this missense variant is expected to disrupt EPHA4 protein function. ClinVar contains an entry for this variant (Variation ID: 1360230). This variant has not been reported in the literature in individuals affected with EPHA4-related conditions. The frequency data for this variant in the population databases is considered unreliable, as metrics indicate poor data quality at this position in the gnomAD database. This sequence change replaces cysteine, which is neutral and slightly polar, with arginine, which is basic and polar, at codon 369 of the EPHA4 protein (p.Cys369Arg).

NM_004438.5(EPHA4):c.1105T>C (p.Cys369Arg)

Gene: EPHA4 (EPH receptor A4; minus strand). Cytogenetic location: 2q36.1.
Variant type: single nucleotide variant.
Coding change: c.1105T>C on transcript NM_004438.5 (MANE Select); coding-DNA position 1105, T replaced by C.
Protein change: p.Cys369Arg; replaces cysteine 369 with arginine.
Molecular consequence: missense variant.
Genome position (GRCh38, 1-based): chr2:221,482,565, A>G on the plus strand (T>C on the coding strand, the complement: EPHA4 is on the minus strand). VCF-style: chr2-221482565-A-G. GRCh37 (hg19) VCF-style: chr2-222347285-A-G.
Other names: c.1105T>C, p.Cys369Arg (NM_001304536.2, NM_001363748.2); c.952T>C, p.Cys318Arg (NM_001304537.2); short protein forms C318R, C369R.
Identifiers: ClinVar variation 1360230 (VCV001360230.6), dbSNP rs1168279571, ClinGen allele CA350408459.